The following is an entry in ClinVar:

NM_001267550.2(TTN):c.43273G>A (p.Ala14425Thr)

Gene: TTN (titin; minus strand). Cytogenetic location: 2q31.2.
Variant type: single nucleotide variant.
Coding change: c.43273G>A on transcript NM_001267550.2 (MANE Select); coding-DNA position 43273, G replaced by A.
Protein change: p.Ala14425Thr; replaces alanine 14425 with threonine.
Molecular consequence: missense variant.
Genome position (GRCh38, 1-based): chr2:178,632,733, C>T on the plus strand (G>A on the coding strand, the complement: TTN is on the minus strand). VCF-style: chr2-178632733-C-T. GRCh37 (hg19) VCF-style: chr2-179497460-C-T.
Other names: c.38350G>A, p.Ala12784Thr (NM_001256850.1); c.16078G>A, p.Ala5360Thr (NM_003319.4); c.35569G>A, p.Ala11857Thr (NM_133378.4); c.16453G>A, p.Ala5485Thr (NM_133432.3); c.16654G>A, p.Ala5552Thr (NM_133437.4); short protein forms A11857T, A12784T, A14425T, A5360T, A5485T, A5552T.
Identifiers: ClinVar variation 5037503 (VCV005037503.1).

ClinVar aggregate classification (germline): Uncertain significance (1 of 4 stars; one submission).

gnomAD v4.1: 1 of 1,613,274 alleles (0.000062%); highest among the groups gnomAD compares: Non-Finnish European, 0.000085%; no homozygotes.

Submission:

GeneDx
Classification: Uncertain significance. Last evaluated: 2026-04-22. Review status: criteria provided, single submitter. Criteria: GeneDx Variant Classification Process June 2021. Collection method: clinical testing. Allele origin: germline.
Comment: Not observed at significant frequency in large population cohorts (gnomAD); Missense variant in a gene in which most reported pathogenic variants are truncating/loss of function; Has not been previously published as pathogenic or benign to our knowledge